The following is an entry in ClinVar:

ClinVar aggregate classification (germline): Uncertain significance. Review status: criteria provided, multiple submitters, no conflicts (2 of 4 stars). 3 submissions from 3 submitters: Uncertain significance (3). Last evaluated 2025-03-03.

Conditions:
Developmental and epileptic encephalopathy, 46 (DEE46). Also called: GRIN2D-Related Developmental and Epileptic Encephalopathy; Epileptic encephalopathy, early infantile, 46. Identifiers: MedGen C4310687, MONDO:0014947, OMIM 617162.
Inborn genetic diseases. Identifiers: MedGen C0950123, MeSH D030342.

Allele frequency attached by ClinVar (database versions not stated): gnomAD exomes 0.00002 and 0.00004; gnomAD 0.00003 and 0.00004; TOPMed 0.00004.
gnomAD v4.1: 14 of 1,467,022 alleles (0.00095%); highest among the groups gnomAD compares: Admixed American, 0.022%; no homozygotes.

Submissions (3):

Labcorp Genetics (formerly Invitae), Labcorp
Classification: Uncertain significance. Last evaluated: 2025-03-03. Review status: criteria provided, single submitter. Criteria: Invitae Variant Classification Sherloc (09022015). Collection method: clinical testing. Allele origin: germline.
Comment: This sequence change replaces glycine, which is neutral and non-polar, with arginine, which is basic and polar, at codon 1321 of the GRIN2D protein (p.Gly1321Arg). The frequency data for this variant in the population databases is considered unreliable, as metrics indicate poor data quality at this position in the gnomAD database. This variant has not been reported in the literature in individuals affected with GRIN2D-related conditions. ClinVar contains an entry for this variant (Variation ID: 983379). Invitae Evidence Modeling of protein sequence and biophysical properties (such as structural, functional, and spatial information, amino acid conservation, physicochemical variation, residue mobility, and thermodynamic stability) indicates that this missense variant is not expected to disrupt GRIN2D protein function with a negative predictive value of 95%. In summary, the available evidence is currently insufficient to determine the role of this variant in disease. Therefore, it has been classified as a Variant of Uncertain Significance.

Ambry Genetics
Classification: Uncertain significance for Inborn genetic diseases. Last evaluated: 2025-01-21. Review status: criteria provided, single submitter. Criteria: Ambry Variant Classification Scheme 2023. Collection method: clinical testing. Allele origin: germline.

New York Genome Center
Classification: Uncertain significance for Developmental and epileptic encephalopathy, 46. Last evaluated: 2020-02-06. Review status: criteria provided, single submitter. Criteria: NYGC Assertion Criteria 2020. Collection method: clinical testing. Allele origin: inherited. Observed: 1 heterozygote. Study: CSER-NYCKidSeq.

NM_000836.4(GRIN2D):c.3961G>C (p.Gly1321Arg)

Gene: GRIN2D (glutamate ionotropic receptor NMDA type subunit 2D; plus strand). Cytogenetic location: 19q13.33.
Variant type: single nucleotide variant.
Coding change: c.3961G>C on transcript NM_000836.4 (MANE Select); coding-DNA position 3961, G replaced by C.
Protein change: p.Gly1321Arg; replaces glycine 1321 with arginine.
Molecular consequence: missense variant.
Genome position (GRCh38, 1-based): chr19:48,443,887, G>C. VCF-style: chr19-48443887-G-C. GRCh37 (hg19) VCF-style: chr19-48947144-G-C.
Other names: short protein forms G1321R.
Identifiers: ClinVar variation 983379 (VCV000983379.8), dbSNP rs1365441040, ClinGen allele CA406679210.
Genomic context (GRCh38, chr19:48,443,887, plus strand): 5'-GCGCACTGGGGGCCGCCGCTGCCCACAGCTTCCCACCGGAGACACCGGGGCGGGGACCTG[G>C]GCACCCGCAGGGGCTCGGCGCACTTCTCTAGCCTCGAGTCCGAGGTATGACGCGGCCCCG-3'
Protein context (NP_000827.2, residues 1311-1331): SHRRHRGGDL[Gly1321Arg]TRRGSAHFSS